The following is an entry in ClinVar:

ClinVar aggregate classification (germline): Pathogenic (1 of 4 stars; one submission).

Conditions:
Rare genetic deafness. Identifiers: Orphanet 96210, MedGen C5680250.

Submission:

Laboratory for Molecular Medicine, Mass General Brigham Personalized Medicine
Classification: Pathogenic for Rare genetic deafness. Last evaluated: 2016-07-01. Review status: criteria provided, single submitter. Criteria: LMM Criteria. Collection method: clinical testing. Allele origin: germline. Inheritance: Autosomal recessive inheritance. Observed: 2 variant alleles.
Comment: The exon 24-39 deletion in OTOGL has not been previously reported in individuals with hearing loss, but several similarly sized deletions have been reported by the Database of Genomic Variants in 8/96,974 chromosomes from several population studies (DGV; merged variant accession numbers dgv1530 n100, esv2761110, esv3580340, nsv559454). This frequency is low enough to be con sistent with a recessive carrier frequency. The variant deletes at least exons 2 4-39 of the OTOGL gene; however, exact breakpoints of the detected deletion coul d not be determined due to limitations of the testing methodology. This variant is likely to result in a truncated or absent protein. Loss of function of the OT OGL gene is an established disease mechanism in autosomal recessive hearing loss . In summary, this variant meets our criteria to be classified as pathogenic for nonsyndromic hearing loss in an autosomal recessive manner based on the predict ed impact of the variant.

NM_173591.3(OTOGL):c.(?_2657)_(4690_?)del

Gene: OTOGL (otogelin like; plus strand). Cytogenetic location: 12q21.31.
Variant type: Deletion.
Coding change: c.(?_2657)_(4690_?)del on transcript NM_173591.3; a large deletion whose breakpoints are not mapped to the base.
Other names: c.(?_2657)_(4690_?)del (NM_173591.3).
Identifiers: ClinVar variation 505207 (VCV000505207.5).